The following is an entry in ClinVar:

ClinVar aggregate classification (germline): Uncertain significance (1 of 4 stars; one submission).

Conditions:
Danon disease. Also called: PSEUDOGLYCOGENOSIS II; GSD IIb; LYSOSOMAL GLYCOGEN STORAGE DISEASE WITHOUT ACID MALTASE DEFICIENCY; Glycogen Storage Disease Type IIb; ANTOPOL DISEASE. Identifiers: Orphanet 34587, MedGen C0878677, MONDO:0010281, OMIM 300257.

gnomAD v4.1: 1 of 1,205,753 alleles (0.000083%); no homozygotes.

Submission:

Labcorp Genetics (formerly Invitae), Labcorp
Classification: Uncertain significance for Danon disease. Last evaluated: 2022-06-13. Review status: criteria provided, single submitter. Criteria: Invitae Variant Classification Sherloc (09022015). Collection method: clinical testing. Allele origin: germline.
Comment: In summary, the available evidence is currently insufficient to determine the role of this variant in disease. Therefore, it has been classified as a Variant of Uncertain Significance. Algorithms developed to predict the effect of missense changes on protein structure and function are either unavailable or do not agree on the potential impact of this missense change (SIFT: "Deleterious"; PolyPhen-2: "Benign"; Align-GVGD: "Class C0"). This variant has not been reported in the literature in individuals affected with LAMP2-related conditions. This variant is not present in population databases (gnomAD no frequency). This sequence change replaces serine, which is neutral and polar, with leucine, which is neutral and non-polar, at codon 67 of the LAMP2 protein (p.Ser67Leu).

NM_002294.3(LAMP2):c.200C>T (p.Ser67Leu)

Gene: LAMP2 (lysosome associated membrane protein 2; minus strand). Cytogenetic location: Xq24.
Variant type: single nucleotide variant.
Coding change: c.200C>T on transcript NM_002294.3 (MANE Select); coding-DNA position 200, C replaced by T.
Protein change: p.Ser67Leu; replaces serine 67 with leucine.
Molecular consequence: missense variant.
Genome position (GRCh38, 1-based): chrX:120,455,554, G>A on the plus strand (C>T on the coding strand, the complement: LAMP2 is on the minus strand). VCF-style: chrX-120455554-G-A. GRCh37 (hg19) VCF-style: chrX-119589409-G-A.
Other names: c.200C>T, p.Ser67Leu (NM_001122606.1, NM_013995.2); short protein forms S67L.
Identifiers: ClinVar variation 2182537 (VCV002182537.2), dbSNP rs2520908485, ClinGen allele CA414403503.